The following is an entry in ClinVar:

ClinVar aggregate classification (germline): Uncertain significance. Review status: criteria provided, multiple submitters, no conflicts (2 of 4 stars). 2 submissions from 2 submitters: Uncertain significance (2). Last evaluated 2025-08-07.

Conditions:
Combined oxidative phosphorylation defect type 27. Also called: Combined oxidative phosphorylation deficiency 27. Identifiers: Orphanet 477774, MedGen C5567608, MONDO:0014728, OMIM 616672.
Inborn genetic diseases. Identifiers: MedGen C0950123, MeSH D030342.

Allele frequency attached by ClinVar (database versions not stated): gnomAD exomes below 0.00001; gnomAD 0.00002; TOPMed 0.00002.
gnomAD v4.1: 20 of 1,611,800 alleles (0.0012%); highest among the groups gnomAD compares: East Asian, 0.0022%; no homozygotes.

Submissions (2):

Ambry Genetics
Classification: Uncertain significance for Inborn genetic diseases. Last evaluated: 2025-08-07. Review status: criteria provided, single submitter. Criteria: Ambry Variant Classification Scheme 2023. Collection method: clinical testing. Allele origin: germline.

Labcorp Genetics (formerly Invitae), Labcorp
Classification: Uncertain significance for Combined oxidative phosphorylation defect type 27. Last evaluated: 2025-02-24. Review status: criteria provided, single submitter. Criteria: Invitae Variant Classification Sherloc (09022015). Collection method: clinical testing. Allele origin: germline.
Comment: This sequence change replaces arginine, which is basic and polar, with histidine, which is basic and polar, at codon 378 of the CARS2 protein (p.Arg378His). This variant is not present in population databases (gnomAD no frequency). This variant has not been reported in the literature in individuals affected with CARS2-related conditions. ClinVar contains an entry for this variant (Variation ID: 835739). Invitae Evidence Modeling of protein sequence and biophysical properties (such as structural, functional, and spatial information, amino acid conservation, physicochemical variation, residue mobility, and thermodynamic stability) indicates that this missense variant is not expected to disrupt CARS2 protein function with a negative predictive value of 80%. In summary, the available evidence is currently insufficient to determine the role of this variant in disease. Therefore, it has been classified as a Variant of Uncertain Significance.

NM_024537.4(CARS2):c.1133G>A (p.Arg378His)

Gene: CARS2 (cysteinyl-tRNA synthetase 2, mitochondrial; minus strand). Cytogenetic location: 13q34.
Variant type: single nucleotide variant.
Coding change: c.1133G>A on transcript NM_024537.4 (MANE Select); coding-DNA position 1133, G replaced by A.
Protein change: p.Arg378His; replaces arginine 378 with histidine.
Molecular consequence: missense variant. On other transcripts: non-coding transcript variant (2).
Genome position (GRCh38, 1-based): chr13:110,647,161, C>T on the plus strand (G>A on the coding strand, the complement: CARS2 is on the minus strand). VCF-style: chr13-110647161-C-T. GRCh37 (hg19) VCF-style: chr13-111299508-C-T.
Other names: c.347G>A, p.Arg116His (NM_001352252.2); c.1133G>A (NM_024537.2); short protein forms R116H, R378H.
Identifiers: ClinVar variation 835739 (VCV000835739.10), dbSNP rs770630631, ClinGen allele CA388744116.